The following is an entry in ClinVar:

NM_001291303.3(FAT4):c.12213+36A>G

Gene: FAT4 (FAT atypical cadherin 4; plus strand). Cytogenetic location: 4q28.1.
Variant type: single nucleotide variant.
Coding change: c.12213+36A>G on transcript NM_001291303.3 (MANE Select); 36 bases into the intron after coding-DNA position 12213, A replaced by G.
Molecular consequence: intron variant.
Genome position (GRCh38, 1-based): chr4:125,468,855, A>G. VCF-style: chr4-125468855-A-G. GRCh37 (hg19) VCF-style: chr4-126390010-A-G.
Other names: c.12213+36A>G (NM_001291285.3); c.12207+36A>G (NM_024582.6).
Identifiers: ClinVar variation 1274608 (VCV001274608.4), dbSNP rs35304021, ClinGen allele CA3074026.
Genomic context (GRCh38, chr4:125,468,855, plus strand): 5'-TGTGATTGCCAGGAGAGCAGGAATGGTAAGATATTTCATTTTATTGTTGTTGTATATCCA[A>G]CTGGATCTTCAAATAAAGTATGAATTGGGGTGCAAATCATGTTAAATTAGGTTTATTCAT-3'

ClinVar aggregate classification (germline): Benign. Review status: criteria provided, multiple submitters, no conflicts (2 of 4 stars). 3 submissions from 3 submitters: Benign (3). Last evaluated 2024-01-24.

Allele frequency attached by ClinVar (database versions not stated): 1000 Genomes Project 0.34026; TOPMed 0.36971; gnomAD exomes 0.37452 and 0.39450; ExAC 0.37873; gnomAD 0.38329 and 0.38681; ESP Exome Variant Server 0.39264; 1000 Genomes Project 30x 0.33542.
gnomAD v4.1: 614,981 of 1,563,548 alleles (39%); highest among the groups gnomAD compares: Non-Finnish European, 40%; 121,770 homozygotes.

Submissions (3):

Unidad de Genómica Garrahan, Hospital de Pediatría Garrahan
Classification: Benign. Last evaluated: 2024-01-24. Review status: criteria provided, single submitter. Criteria: ACMG Guidelines, 2015. Collection method: clinical testing. Allele origin: germline. Affected: no. Observed: 49 variant alleles.
Comment: This variant is classified as Benign based on local population frequency. This variant was detected in 52% of patients studied by a panel of primary immunodeficiencies. Number of patients: 49. Only high quality variants are reported.

GeneDx
Classification: Benign. Last evaluated: 2018-06-26. Review status: criteria provided, single submitter. Criteria: GeneDx Variant Classification Process June 2021. Collection method: clinical testing. Allele origin: germline. Affected: yes.

Breakthrough Genomics
Classification: Benign. Review status: criteria provided, single submitter. Criteria: ACMG Guidelines, 2015. Collection method: not provided. Allele origin: germline. Inheritance: Autosomal recessive inheritance. Affected: yes.